The following is an entry in ClinVar:

ClinVar aggregate classification (germline): Likely benign (1 of 4 stars; one submission).

Allele frequency attached by ClinVar (database versions not stated): ExAC 0.00006; gnomAD exomes 0.00006; gnomAD 0.00056; TOPMed 0.00057; 1000 Genomes Project 0.00060; 1000 Genomes Project 30x 0.00078.
gnomAD v4.1: 180 of 1,550,748 alleles (0.012%); highest among the groups gnomAD compares: African/African-American, 0.23%; 1 homozygote.

Submission:

CeGaT Center for Human Genetics Tuebingen
Classification: Likely benign. Last evaluated: 2023-01-01. Review status: criteria provided, single submitter. Criteria: CeGaT Center For Human Genetics Tuebingen Variant Classification Criteria Version 2. Collection method: clinical testing. Allele origin: germline. Affected: yes. Observed: 1 variant allele.
Comment: SLC13A3: BP4, BP7

NM_022829.6(SLC13A3):c.541+1540A>C

Gene: SLC13A3 (solute carrier family 13 member 3; minus strand). Cytogenetic location: 20q13.12.
Variant type: single nucleotide variant.
Coding change: c.541+1540A>C on transcript NM_022829.6 (MANE Select); 1540 bases into the intron after coding-DNA position 541, A replaced by C.
Molecular consequence: intron variant.
Genome position (GRCh38, 1-based): chr20:46,608,906, T>G on the plus strand (A>C on the coding strand, the complement: SLC13A3 is on the minus strand). VCF-style: chr20-46608906-T-G. GRCh37 (hg19) VCF-style: chr20-45237545-T-G.
Other names: c.400+1540A>C (NM_001193340.2, NM_001011554.3); c.247+1540A>C (NM_001193342.2); c.541+1540A>C (NM_001193339.2).
Identifiers: ClinVar variation 2652371 (VCV002652371.24), dbSNP rs111828740, ClinGen allele CA9891605.
Genomic context (GRCh38, chr20:46,608,906, plus strand): 5'-CCATCTATCTCTCAAGATGTGGCTCCTGTCTTTGGGTCCCAGGTGCCATCATATTCACAT[T>G]CCACCCGGCAGGAAGGACAGAACCCGGAAGTTGCACACATCATTTCCACTCATATTCCAT-3'